The following is an entry in ClinVar:

NC_000001.10:g.(?_216107948)_(216138831_?)dup

Gene: USH2A (usherin; minus strand). Cytogenetic location: 1q41.
Variant type: Duplication.
Identifiers: ClinVar variation 1066100 (VCV001066100.4).

ClinVar aggregate classification (germline): Likely pathogenic (1 of 4 stars; one submission).

Submission:

Labcorp Genetics (formerly Invitae), Labcorp
Classification: Likely pathogenic. Last evaluated: 2021-02-04. Review status: criteria provided, single submitter. Criteria: Invitae Variant Classification Sherloc (09022015). Collection method: clinical testing. Allele origin: germline.
Comment: This variant results in a copy number gain of the genomic region encompassing exons 37-38 of the USH2A gene. While the exact position of this variant cannot be determined from the data, sub-genic copy number gains are generally in tandem (PMID: 25640679). This variant is predicted to be out-of-frame, and may result in an absent or disrupted protein product. This variant has not been reported in the literature in individuals with USH2A-related conditions. Loss-of-function variants in USH2A are known to be pathogenic (PMID: 10729113, 10909849, 20507924, 25649381). In summary, the currently available evidence indicates that the variant is pathogenic, but additional data are needed to prove that conclusively. Therefore, this variant has been classified as Likely Pathogenic.

Literature cited by the submitters: PubMed 25640679; PubMed 10729113; PubMed 10909849; PubMed 20507924; PubMed 25649381.